The following is an entry in ClinVar:

NM_001378454.1(ALMS1):c.7464A>C (p.Gln2488His)

Gene: ALMS1 (ALMS1 centrosome and basal body associated protein; plus strand). Cytogenetic location: 2p13.1.
Variant type: single nucleotide variant.
Coding change: c.7464A>C on transcript NM_001378454.1 (MANE Select); coding-DNA position 7464, A replaced by C.
Protein change: p.Gln2488His; replaces glutamine 2488 with histidine.
Molecular consequence: missense variant.
Genome position (GRCh38, 1-based): chr2:73,453,991, A>C. VCF-style: chr2-73453991-A-C. GRCh37 (hg19) VCF-style: chr2-73681118-A-C.
Other names: c.7467A>C, p.Gln2489His (NM_015120.4); short protein forms Q2488H, Q2489H.
Identifiers: ClinVar variation 4985965 (VCV004985965.1).

ClinVar aggregate classification (germline): Uncertain significance (1 of 4 stars; one submission).

Conditions:
ALMS1-related disorder. Also called: ALMS1-related condition.

Submission:

PreventionGenetics, part of Exact Sciences
Classification: Uncertain significance for ALMS1-related condition. Last evaluated: 2026-06-01. Review status: criteria provided, single submitter. Criteria: ACMG Guidelines, 2015. Collection method: clinical testing. Allele origin: germline.
Comment: The ALMS1 c.7467A>C variant is predicted to result in the amino acid substitution p.Glu2489Asp. This variant is referred to as c.7470A>C, p.Glu2490Asp in the alternate transcript NM_001378454.1. To our knowledge, this variant has not been reported in the literature or in a large population database (gnomAD), indicating this variant is rare. At this time, the clinical significance of this variant is uncertain due to the absence of conclusive functional and genetic evidence.